The following is an entry in ClinVar:

ClinVar aggregate classification (germline): Pathogenic (1 of 4 stars; one submission).

Allele frequency attached by ClinVar (database versions not stated): TOPMed below 0.00001; gnomAD 0.00001.
gnomAD v4.1: 1 of 1,613,524 alleles (0.000062%); highest among the groups gnomAD compares: African/African-American, 0.0013%; no homozygotes.

Submission:

Labcorp Genetics (formerly Invitae), Labcorp
Classification: Pathogenic. Last evaluated: 2022-09-27. Review status: criteria provided, single submitter. Criteria: Invitae Variant Classification Sherloc (09022015). Collection method: clinical testing. Allele origin: germline.
Comment: For these reasons, this variant has been classified as Pathogenic. This variant has not been reported in the literature in individuals affected with CEP63-related conditions. This variant is not present in population databases (gnomAD no frequency). This sequence change creates a premature translational stop signal (p.Gln294*) in the CEP63 gene. It is expected to result in an absent or disrupted protein product. Loss-of-function variants in CEP63 are known to be pathogenic (PMID: 21983783, 23936128, 26158450).

Literature cited by the submitters: PubMed 21983783; PubMed 23936128; PubMed 26158450.

NM_001353108.3(CEP63):c.880C>T (p.Gln294Ter)

Gene: CEP63 (centrosomal protein 63; plus strand). Cytogenetic location: 3q22.2.
Variant type: single nucleotide variant.
Coding change: c.880C>T on transcript NM_001353108.3 (MANE Select); coding-DNA position 880, C replaced by T.
Protein change: p.Gln294Ter; replaces glutamine 294 with a stop codon.
Molecular consequence: nonsense. On other transcripts: non-coding transcript variant (4).
Genome position (GRCh38, 1-based): chr3:134,546,239, C>T. VCF-style: chr3-134546239-C-T. GRCh37 (hg19) VCF-style: chr3-134265081-C-T.
Other names: c.880C>T, p.Gln294Ter (NM_001353121.2, NM_001353122.1, NM_025180.5 and 13 more transcripts); c.796C>T, p.Gln266Ter (NM_001353125.2); c.517C>T, p.Gln173Ter (NM_001353126.2); c.907C>T, p.Gln303Ter (NM_001353118.1); short protein forms Q173*, Q294*, Q303*, Q266*.
Identifiers: ClinVar variation 1905565 (VCV001905565.5), dbSNP rs1953288507, ClinGen allele CA354629230.